The following is an entry in ClinVar:

ClinVar aggregate classification (germline): Uncertain significance. Review status: criteria provided, multiple submitters, no conflicts (2 of 4 stars). 4 submissions from 4 submitters: Uncertain significance (4). Last evaluated 2024-10-03.

Conditions:
Emery-Dreifuss muscular dystrophy 5, autosomal dominant (EDMD5). Also called: EMERY-DREIFUSS MUSCULAR DYSTROPHY 5. Identifiers: Orphanet 261, MedGen C2751805, MONDO:0013072, OMIM 612999.

Allele frequency attached by ClinVar (database versions not stated): gnomAD exomes 0.00001 and 0.00002; ExAC 0.00002; gnomAD 0.00003; TOPMed 0.00004; ESP Exome Variant Server 0.00008.
gnomAD v4.1: 26 of 1,613,918 alleles (0.0016%); highest among the groups gnomAD compares: Middle Eastern, 0.049%; no homozygotes.

Submissions (4):

Labcorp Genetics (formerly Invitae), Labcorp
Classification: Uncertain significance for Emery-Dreifuss muscular dystrophy 5, autosomal dominant. Last evaluated: 2024-10-03. Review status: criteria provided, single submitter. Criteria: Invitae Variant Classification Sherloc (09022015). Collection method: clinical testing. Allele origin: germline.
Comment: This sequence change replaces glutamine, which is neutral and polar, with histidine, which is basic and polar, at codon 5264 of the SYNE2 protein (p.Gln5264His). This variant also falls at the last nucleotide of exon 85, which is part of the consensus splice site for this exon. This variant is present in population databases (rs368363575, gnomAD 0.004%). This variant has not been reported in the literature in individuals affected with SYNE2-related conditions. ClinVar contains an entry for this variant (Variation ID: 252803). An algorithm developed to predict the effect of missense changes on protein structure and function (PolyPhen-2) suggests that this variant is likely to be disruptive. Variants that disrupt the consensus splice site are a relatively common cause of aberrant splicing (PMID: 17576681, 9536098). Algorithms developed to predict the effect of sequence changes on RNA splicing suggest that this variant may disrupt the consensus splice site. In summary, the available evidence is currently insufficient to determine the role of this variant in disease. Therefore, it has been classified as a Variant of Uncertain Significance.

Athena Diagnostics
Classification: Uncertain significance. Last evaluated: 2023-01-30. Review status: criteria provided, single submitter. Criteria: Athena Diagnostics Criteria. Collection method: clinical testing. Allele origin: unknown.
Comment: Available data are insufficient to determine the clinical significance of the variant at this time. The frequency of this variant in the general population is uninformative in assessment of its pathogenicity. Computational tools yielded predictions that this variant may interfere with normal RNA splicing.

Genomic Diagnostic Laboratory, Division of Genomic Diagnostics, Children's Hospital of Philadelphia
Classification: Uncertain significance. Last evaluated: 2015-09-18. Review status: criteria provided, single submitter. Criteria: DGD Variant Analysis Guidelines. Collection method: clinical testing. Allele origin: unknown.

Eurofins Ntd Llc (ga)
Classification: Uncertain significance. Last evaluated: 2015-08-07. Review status: criteria provided, single submitter. Criteria: EGL Classification Definitions 2015. Collection method: clinical testing. Allele origin: germline. Observed: 1 variant allele, 1 heterozygote.

Literature cited by the submitters: PubMed 17576681 (cited by Labcorp Genetics (formerly Invitae), Labcorp); PubMed 9536098 (cited by Labcorp Genetics (formerly Invitae), Labcorp).

NM_182914.3(SYNE2):c.15792G>C (p.Gln5264His)

Gene: SYNE2 (spectrin repeat containing nuclear envelope protein 2; plus strand). Cytogenetic location: 14q23.2.
Variant type: single nucleotide variant.
Coding change: c.15792G>C on transcript NM_182914.3 (MANE Select); coding-DNA position 15792, G replaced by C.
Protein change: p.Gln5264His; replaces glutamine 5264 with histidine.
Molecular consequence: missense variant.
Genome position (GRCh38, 1-based): chr14:64,152,716, G>C. VCF-style: chr14-64152716-G-C. GRCh37 (hg19) VCF-style: chr14-64619434-G-C.
Other names: c.15792G>C, p.Gln5264His (NM_015180.6); short protein forms Q5264H.
Identifiers: ClinVar variation 252803 (VCV000252803.11), dbSNP rs368363575, ClinGen allele CA7223183.